The following is an entry in ClinVar:

NM_000391.4(TPP1):c.626A>G (p.Tyr209Cys)

Gene: TPP1 (tripeptidyl peptidase 1; minus strand). Cytogenetic location: 11p15.4.
Variant type: single nucleotide variant.
Coding change: c.626A>G on transcript NM_000391.4 (MANE Select); coding-DNA position 626, A replaced by G.
Protein change: p.Tyr209Cys; replaces tyrosine 209 with cysteine.
Molecular consequence: missense variant.
Genome position (GRCh38, 1-based): chr11:6,617,036, T>C on the plus strand (A>G on the coding strand, the complement: TPP1 is on the minus strand). VCF-style: chr11-6617036-T-C. GRCh37 (hg19) VCF-style: chr11-6638267-T-C.
Other names: short protein forms Y209C.
Identifiers: ClinVar variation 457946 (VCV000457946.10), dbSNP rs1554901957, ClinGen allele CA379475434.

ClinVar aggregate classification (germline): Uncertain significance (1 of 4 stars; one submission).

Submission:

Labcorp Genetics (formerly Invitae), Labcorp
Classification: Uncertain significance. Last evaluated: 2020-02-01. Review status: criteria provided, single submitter. Criteria: Invitae Variant Classification Sherloc (09022015). Collection method: clinical testing. Allele origin: germline.
Comment: In summary, this variant is a novel missense change with uncertain impact on protein function. It has been classified as a Variant of Uncertain Significance. Algorithms developed to predict the effect of missense changes on protein structure and function do not agree on the potential impact of this missense change (SIFT: "Deleterious"; PolyPhen-2: "Probably Damaging"; Align-GVGD: "Class C15"). This variant is not present in population databases (ExAC no frequency) and has not been reported in the literature in individuals with a TPP1-related disease. This sequence change replaces tyrosine with cysteine at codon 209 of the TPP1 protein (p.Tyr209Cys). The tyrosine residue is highly conserved and there is a large physicochemical difference between tyrosine and cysteine.